The following is an entry in ClinVar:

NM_004304.5(ALK):c.592G>A (p.Val198Met)

Gene: ALK (ALK receptor tyrosine kinase; minus strand). Cytogenetic location: 2p23.1.
Variant type: single nucleotide variant.
Coding change: c.592G>A on transcript NM_004304.5 (MANE Select); coding-DNA position 592, G replaced by A.
Protein change: p.Val198Met; replaces valine 198 with methionine.
Molecular consequence: missense variant.
Genome position (GRCh38, 1-based): chr2:29,920,068, C>T on the plus strand (G>A on the coding strand, the complement: ALK is on the minus strand). VCF-style: chr2-29920068-C-T. GRCh37 (hg19) VCF-style: chr2-30142934-C-T.
Other names: p.Val198Met; short protein forms V198M.
Identifiers: ClinVar variation 133460 (VCV000133460.39), dbSNP rs77677701, ClinGen allele CA156596.

ClinVar aggregate classification (germline): Benign/Likely benign. Review status: criteria provided, multiple submitters, no conflicts (2 of 4 stars). 9 submissions from 9 submitters: Benign (4); Likely benign (3). 2 of the submissions do not count toward it. Last evaluated 2026-02-04.

Conditions:
Hereditary cancer-predisposing syndrome. Also called: Tumor predisposition; Hereditary neoplastic syndrome; Neoplastic Syndromes, Hereditary; Hereditary Cancer Syndrome. Identifiers: Orphanet 140162, MedGen C0027672, MeSH D009386, MONDO:0015356.
Neuroblastoma, susceptibility to, 3. Also called: ALK-Related Neuroblastic Tumor Susceptibility. Identifiers: Orphanet 635, MedGen C2751681, MONDO:0013083, OMIM 613014.

Allele frequency attached by ClinVar (database versions not stated): gnomAD exomes 0.00016 and 0.00045; ExAC 0.00062; 1000 Genomes Project 0.00080; 1000 Genomes Project 30x 0.00094; ESP Exome Variant Server 0.00192; gnomAD 0.00202 and 0.00221; TOPMed 0.00219.
gnomAD v4.1: 554 of 1,614,220 alleles (0.034%); highest among the groups gnomAD compares: African/African-American, 0.66%; 3 homozygotes.

Submissions (9):

Labcorp Genetics (formerly Invitae), Labcorp
Classification: Benign for Neuroblastoma, susceptibility to, 3. Last evaluated: 2026-02-04. Review status: criteria provided, single submitter. Criteria: Invitae Variant Classification Sherloc (09022015). Collection method: clinical testing. Allele origin: germline.

CeGaT Center for Human Genetics Tuebingen
Classification: Likely benign. Last evaluated: 2025-08-01. Review status: criteria provided, single submitter. Criteria: CeGaT Center For Human Genetics Tuebingen Variant Classification Criteria Version 2. Collection method: clinical testing. Allele origin: germline. Affected: yes. Observed: 2 variant alleles.
Comment: ALK: BS2

Mayo Clinic Laboratories, Mayo Clinic
Classification: Likely benign. Last evaluated: 2025-06-11. Review status: criteria provided, single submitter. Criteria: ACMG Guidelines, 2015. Collection method: clinical testing. Allele origin: germline. Observed: 1 variant allele.
Comment: BS1, BP4

Blueprint Genetics
Classification: Likely benign. Last evaluated: 2024-11-14. Review status: criteria provided, single submitter. Criteria: ACMG Guidelines, 2015. Collection method: clinical testing. Allele origin: germline.

Ambry Genetics
Classification: Benign for Hereditary cancer-predisposing syndrome. Last evaluated: 2024-06-26. Review status: criteria provided, single submitter. Criteria: Ambry Variant Classification Scheme 2023. Collection method: clinical testing. Allele origin: germline.

KCCC/NGS Laboratory, Kuwait Cancer Control Center
Classification: Benign for Neuroblastoma, susceptibility to, 3. Last evaluated: 2023-07-07. Review status: criteria provided, single submitter. Criteria: ACMG Guidelines, 2015. Collection method: clinical testing. Allele origin: germline. Affected: yes.

Sema4
Classification: Benign for Hereditary cancer-predisposing syndrome. Last evaluated: 2021-03-19. Review status: criteria provided, single submitter. Criteria: Sema4 Curation Guidelines. Collection method: curation. Allele origin: germline.

Genetic Services Laboratory, University of Chicago
Classification: Likely benign. Last evaluated: 2022-06-20. Review status: no assertion criteria provided. Collection method: clinical testing. Allele origin: germline. Affected: no. Not counted in ClinVar's aggregate classification.

ITMI
No classification provided. Condition: AllHighlyPenetrant. Last evaluated: 2013-09-19. Review status: no classification provided. Collection method: reference population. Allele origin: germline. Not counted in ClinVar's aggregate classification.
Comment: Please see associated publication for description of ethnicities

Literature cited by the submitters: PubMed 24728327 (cited by ITMI).